The following is an entry in ClinVar:

ClinVar aggregate classification (germline): Uncertain significance (1 of 4 stars; one submission).

Submission:

CeGaT Center for Human Genetics Tuebingen
Classification: Uncertain significance. Last evaluated: 2023-08-01. Review status: criteria provided, single submitter. Criteria: CeGaT Center For Human Genetics Tuebingen Variant Classification Criteria Version 2. Collection method: clinical testing. Allele origin: germline. Affected: yes. Observed: 1 variant allele.
Comment: POLG2: PM2

NM_007215.4(POLG2):c.703A>T (p.Thr235Ser)

Genes: MILR1 (mast cell immunoglobulin like receptor 1; plus strand), POLG2 (DNA polymerase gamma 2, accessory subunit; minus strand). Cytogenetic location: 17q23.3.
Variant type: single nucleotide variant.
Coding change: c.703A>T on transcript NM_007215.4 (MANE Select); coding-DNA position 703, A replaced by T.
Protein change: p.Thr235Ser; replaces threonine 235 with serine.
Molecular consequence: missense variant.
Genome position (GRCh38, 1-based): chr17:64,492,759, T>A on the plus strand (A>T on the coding strand, the complement: POLG2 is on the minus strand). VCF-style: chr17-64492759-T-A. GRCh37 (hg19) VCF-style: chr17-62488876-T-A.
Other names: short protein forms T235S.
Identifiers: ClinVar variation 2578797 (VCV002578797.25), dbSNP rs148941150, ClinGen allele CA400639225.